The following is an entry in ClinVar:

ClinVar aggregate classification (germline): Uncertain significance. Review status: criteria provided, multiple submitters, no conflicts (2 of 4 stars). 2 submissions from 2 submitters: Uncertain significance (2). Last evaluated 2022-05-03.

Allele frequency attached by ClinVar (database versions not stated): gnomAD exomes below 0.00001; gnomAD 0.00001; TOPMed 0.00001.
gnomAD v4.1: 8 of 1,608,638 alleles (0.0005%); highest among the groups gnomAD compares: Middle Eastern, 0.016%; no homozygotes.

Submissions (2):

Labcorp Genetics (formerly Invitae), Labcorp
Classification: Uncertain significance. Last evaluated: 2022-05-03. Review status: criteria provided, single submitter. Criteria: Invitae Variant Classification Sherloc (09022015). Collection method: clinical testing. Allele origin: germline.
Comment: In summary, the available evidence is currently insufficient to determine the role of this variant in disease. Therefore, it has been classified as a Variant of Uncertain Significance. Algorithms developed to predict the effect of missense changes on protein structure and function are either unavailable or do not agree on the potential impact of this missense change (SIFT: "Deleterious"; PolyPhen-2: "Possibly Damaging"; Align-GVGD: "Class C0"). This variant has not been reported in the literature in individuals affected with CARMIL2-related conditions. This variant is not present in population databases (gnomAD no frequency). This sequence change replaces alanine, which is neutral and non-polar, with valine, which is neutral and non-polar, at codon 604 of the CARMIL2 protein (p.Ala604Val).

Blueprint Genetics
Classification: Uncertain significance. Last evaluated: 2021-04-12. Review status: criteria provided, single submitter. Criteria: ACMG Guidelines, 2015. Collection method: clinical testing. Allele origin: germline.

NM_001013838.3(CARMIL2):c.1811C>T (p.Ala604Val)

Gene: CARMIL2 (capping protein regulator and myosin 1 linker 2; plus strand). Cytogenetic location: 16q22.1.
Variant type: single nucleotide variant.
Coding change: c.1811C>T on transcript NM_001013838.3 (MANE Select); coding-DNA position 1811, C replaced by T.
Protein change: p.Ala604Val; replaces alanine 604 with valine.
Molecular consequence: missense variant.
Genome position (GRCh38, 1-based): chr16:67,649,511, C>T. VCF-style: chr16-67649511-C-T. GRCh37 (hg19) VCF-style: chr16-67683414-C-T.
Other names: c.1703C>T, p.Ala568Val (NM_001317026.3); short protein forms A568V, A604V.
Identifiers: ClinVar variation 2013802 (VCV002013802.5), dbSNP rs1411241175, ClinGen allele CA396337728.